The following is an entry in ClinVar:

NM_002880.4(RAF1):c.935T>G (p.Val312Gly)

Gene: RAF1 (Raf-1 proto-oncogene, serine/threonine kinase; minus strand). Cytogenetic location: 3p25.2.
Variant type: single nucleotide variant.
Coding change: c.935T>G on transcript NM_002880.4 (MANE Select); coding-DNA position 935, T replaced by G.
Protein change: p.Val312Gly; replaces valine 312 with glycine.
Molecular consequence: missense variant. On other transcripts: non-coding transcript variant (3).
Genome position (GRCh38, 1-based): chr3:12,600,207, A>C on the plus strand (T>G on the coding strand, the complement: RAF1 is on the minus strand). VCF-style: chr3-12600207-A-C. GRCh37 (hg19) VCF-style: chr3-12641706-A-C.
Other names: c.995T>G, p.Val332Gly (NM_001354689.3); c.935T>G, p.Val312Gly (NM_001354690.3); c.692T>G, p.Val231Gly (NM_001354691.3, NM_001354692.3); c.836T>G, p.Val279Gly (NM_001354693.3); c.752T>G, p.Val251Gly (NM_001354694.3); c.593T>G, p.Val198Gly (NM_001354695.3); short protein forms V279G, V312G, V231G, V251G, V198G, V332G.
Identifiers: ClinVar variation 4614797 (VCV004614797.1).

ClinVar aggregate classification (germline): Uncertain significance (1 of 4 stars; one submission).

Conditions:
Cardiovascular phenotype. Identifiers: MedGen CN230736.

gnomAD v4.1: 1 of 1,614,172 alleles (0.000062%); highest among the groups gnomAD compares: Admixed American, 0.0017%; no homozygotes.

Submission:

Ambry Genetics
Classification: Uncertain significance for Cardiovascular phenotype. Last evaluated: 2025-11-17. Review status: criteria provided, single submitter. Criteria: Ambry Variant Classification Scheme 2023. Collection method: clinical testing. Allele origin: germline.
Comment: The p.V312G variant (also known as c.935T>G), located in coding exon 8 of the RAF1 gene, results from a T to G substitution at nucleotide position 935. The valine at codon 312 is replaced by glycine, an amino acid with dissimilar properties. This amino acid position is not well conserved in available vertebrate species. In addition, this alteration is predicted to be tolerated by in silico analysis. Based on the available evidence, the clinical significance of this variant remains unclear.